The following is an entry in ClinVar:

NM_003900.5(SQSTM1):c.511C>A (p.Pro171Thr)

Gene: SQSTM1 (sequestosome 1; plus strand). Cytogenetic location: 5q35.3.
Variant type: single nucleotide variant.
Coding change: c.511C>A on transcript NM_003900.5 (MANE Select); coding-DNA position 511, C replaced by A.
Protein change: p.Pro171Thr; replaces proline 171 with threonine.
Molecular consequence: missense variant.
Genome position (GRCh38, 1-based): chr5:179,824,067, C>A. VCF-style: chr5-179824067-C-A. GRCh37 (hg19) VCF-style: chr5-179251067-C-A.
Other names: c.259C>A, p.Pro87Thr (NM_001142298.2, NM_001142299.2); short protein forms P171T, P87T.
Identifiers: ClinVar variation 2952018 (VCV002952018.3), dbSNP rs747322992, ClinGen allele CA3600531.

ClinVar aggregate classification (germline): Uncertain significance (1 of 4 stars; one submission).

Conditions:
Frontotemporal dementia and/or amyotrophic lateral sclerosis 1 (FTDALS1). Also called: Frontotemporal dementia with motor neuron disease 1; C9orf72 Frontotemporal Dementia and/or Amyotrophic Lateral Sclerosis. Identifiers: Orphanet 275872, MedGen C5779877, MONDO:0007105, OMIM 105550.
Paget disease of bone 2, early-onset (PDB2). Also called: Paget disease of bone 2. Identifiers: MedGen C4085251, MONDO:0011183, OMIM 602080.

Allele frequency attached by ClinVar (database versions not stated): ExAC 0.00001.
gnomAD v4.1: 2 of 1,613,930 alleles (0.00012%); highest among the groups gnomAD compares: Non-Finnish European, 0.00017%; no homozygotes.

Submission:

Labcorp Genetics (formerly Invitae), Labcorp
Classification: Uncertain significance for Paget disease of bone 2, early-onset; Frontotemporal dementia and/or amyotrophic lateral sclerosis 1. Last evaluated: 2024-04-26. Review status: criteria provided, single submitter. Criteria: Invitae Variant Classification Sherloc (09022015). Collection method: clinical testing. Allele origin: germline.
Comment: This sequence change replaces proline, which is neutral and non-polar, with threonine, which is neutral and polar, at codon 171 of the SQSTM1 protein (p.Pro171Thr). This variant is present in population databases (rs747322992, gnomAD 0.0009%). This variant has not been reported in the literature in individuals affected with SQSTM1-related conditions. Advanced modeling of protein sequence and biophysical properties (such as structural, functional, and spatial information, amino acid conservation, physicochemical variation, residue mobility, and thermodynamic stability) performed at Invitae indicates that this missense variant is expected to disrupt SQSTM1 protein function with a positive predictive value of 80%. In summary, the available evidence is currently insufficient to determine the role of this variant in disease. Therefore, it has been classified as a Variant of Uncertain Significance.